The following is an entry in ClinVar:

NM_000587.4(C7):c.2309A>G (p.Glu770Gly)

Gene: C7 (complement C7; plus strand). Cytogenetic location: 5p13.1.
Variant type: single nucleotide variant.
Coding change: c.2309A>G on transcript NM_000587.4 (MANE Select); coding-DNA position 2309, A replaced by G.
Protein change: p.Glu770Gly; replaces glutamic acid 770 with glycine.
Molecular consequence: missense variant.
Genome position (GRCh38, 1-based): chr5:40,979,868, A>G. VCF-style: chr5-40979868-A-G. GRCh37 (hg19) VCF-style: chr5-40979970-A-G.
Other names: c.2309A>G (NM_000587.2); short protein forms E770G.
Identifiers: ClinVar variation 1441478 (VCV001441478.7), dbSNP rs370729134, ClinGen allele CA3250259.

ClinVar aggregate classification (germline): Uncertain significance. Review status: criteria provided, multiple submitters, no conflicts (2 of 4 stars). 2 submissions from 2 submitters: Uncertain significance (2). Last evaluated 2025-11-26.

Conditions:
Inborn genetic diseases. Identifiers: MedGen C0950123, MeSH D030342.

gnomAD v4.1: 197 of 1,606,394 alleles (0.012%); highest among the groups gnomAD compares: Non-Finnish European, 0.016%; no homozygotes.

Submissions (2):

Ambry Genetics
Classification: Uncertain significance for Inborn genetic diseases. Last evaluated: 2025-11-26. Review status: criteria provided, single submitter. Criteria: Ambry Variant Classification Scheme 2023. Collection method: clinical testing. Allele origin: germline.

Labcorp Genetics (formerly Invitae), Labcorp
Classification: Uncertain significance. Last evaluated: 2022-03-23. Review status: criteria provided, single submitter. Criteria: Invitae Variant Classification Sherloc (09022015). Collection method: clinical testing. Allele origin: germline.
Comment: This sequence change replaces glutamic acid, which is acidic and polar, with glycine, which is neutral and non-polar, at codon 770 of the C7 protein (p.Glu770Gly). This variant is present in population databases (rs370729134, gnomAD 0.009%). This variant has not been reported in the literature in individuals affected with C7-related conditions. Algorithms developed to predict the effect of missense changes on protein structure and function are either unavailable or do not agree on the potential impact of this missense change (SIFT: "Deleterious"; PolyPhen-2: "Benign"; Align-GVGD: "Class C0"). In summary, the available evidence is currently insufficient to determine the role of this variant in disease. Therefore, it has been classified as a Variant of Uncertain Significance.